The following is an entry in ClinVar:

ClinVar aggregate classification (germline): Pathogenic/Likely pathogenic. Review status: criteria provided, multiple submitters, no conflicts (2 of 4 stars). 3 submissions from 3 submitters: Pathogenic (1); Likely pathogenic (1). 1 of the submissions does not count toward it. Last evaluated 2024-10-21.

Conditions:
Peroxisome biogenesis disorder 4A (Zellweger) (PBD4A). Also called: Zellweger syndrome spectrum (PEX6-related). Identifiers: Orphanet 912, MedGen C3553936, MONDO:0013930, OMIM 614862. Disease mechanism: loss of function.
Peroxisome biogenesis disorder 4B (PBD4B). Also called: SPINOCEREBELLAR ATAXIA WITH BLINDNESS AND DEAFNESS 1. Identifiers: Orphanet 44, Orphanet 95433, MedGen C3553937, MONDO:0013931, OMIM 614863.
Peroxisome biogenesis disorder. Identifiers: Orphanet 79189, MedGen C1832200, MONDO:0019234. Disease mechanism: loss of function.

Submissions (3):

Revvity Omics, Revvity
Classification: Likely pathogenic. Last evaluated: 2024-10-21. Review status: criteria provided, single submitter. Criteria: ACMG Guidelines, 2015. Collection method: clinical testing. Allele origin: germline.

Labcorp Genetics (formerly Invitae), Labcorp
Classification: Pathogenic for Peroxisome biogenesis disorder. Last evaluated: 2023-04-08. Review status: criteria provided, single submitter. Criteria: Invitae Variant Classification Sherloc (09022015). Collection method: clinical testing. Allele origin: germline.
Comment: ClinVar contains an entry for this variant (Variation ID: 555544). This sequence change creates a premature translational stop signal (p.Glu129Profs*28) in the PEX6 gene. It is expected to result in an absent or disrupted protein product. Loss-of-function variants in PEX6 are known to be pathogenic (PMID: 8670792, 19877282, 21031596). This variant is not present in population databases (gnomAD no frequency). This variant has not been reported in the literature in individuals affected with PEX6-related conditions. For these reasons, this variant has been classified as Pathogenic.

Counsyl
Classification: Likely pathogenic for Peroxisome biogenesis disorder 4A (Zellweger); Peroxisome biogenesis disorder 4B. Last evaluated: 2017-12-12. Review status: no assertion criteria provided. Collection method: clinical testing. Allele origin: unknown. Not counted in ClinVar's aggregate classification.

Literature cited by the submitters: PubMed 8670792 (cited by Labcorp Genetics (formerly Invitae), Labcorp); PubMed 19877282 (cited by Labcorp Genetics (formerly Invitae), Labcorp); PubMed 21031596 (cited by Labcorp Genetics (formerly Invitae), Labcorp).

NM_000287.4(PEX6):c.385_388del (p.Glu129fs)

Gene: PEX6 (peroxisomal biogenesis factor 6; minus strand). Cytogenetic location: 6p21.1.
Variant type: Microsatellite.
Coding change: c.385_388del on transcript NM_000287.4 (MANE Select); coding-DNA positions 385 to 388, 4 bases deleted (GAGA; older notation c.385_388delGAGA).
Protein change: p.Glu129fs; shifts the reading frame from glutamic acid 129.
Molecular consequence: frameshift variant. On other transcripts: non-coding transcript variant (1).
Genome position (GRCh38, 1-based): chr6:42,978,763-42,978,766, TCTC deleted on the plus strand (GAGA on the coding strand, the reverse complement: PEX6 is on the minus strand); deleting any 4 consecutive bases within chr6:42,978,763-42,978,768 gives the same sequence; the c. name uses the placement nearest the transcript's 3' end. VCF-style (leftmost placement, unchanged base first): chr6-42978762-GTCTC-G. GRCh37 (hg19) VCF-style: chr6-42946500-GTCTC-G.
Other names: c.385_388del (NM_000287.3); c.385_388del, p.Glu129fs (NM_001316313.2); short protein forms E129fs.
Identifiers: ClinVar variation 555544 (VCV000555544.11), dbSNP rs1554128501, ClinGen allele CA658821903.
Genomic context (GRCh38, chr6:42,978,762, plus strand): 5'-CCCAGCAGCCCTTGCAACGCCGGCCGCGTCTCCAGCACCCGCGGTCCGGGCACTGGGAGG[GTCTC>G]TCCGCGCCTCACCAGCAGCGGCCCGACTCGCGGTCCGAGCCCAGGCCCCAGCGAGGTGCC-3'